The following is an entry in ClinVar:

NM_004415.4(DSP):c.1335T>G (p.Ile445Met)

Gene: DSP (desmoplakin; plus strand). Cytogenetic location: 6p24.3.
Variant type: single nucleotide variant.
Coding change: c.1335T>G on transcript NM_004415.4 (MANE Select); coding-DNA position 1335, T replaced by G.
Protein change: p.Ile445Met; replaces isoleucine 445 with methionine.
Molecular consequence: missense variant.
Genome position (GRCh38, 1-based): chr6:7,568,505, T>G. VCF-style: chr6-7568505-T-G. GRCh37 (hg19) VCF-style: chr6-7568738-T-G.
Other names: c.1335T>G, p.Ile445Met (NM_001008844.3, NM_001319034.2); short protein forms I445M.
Identifiers: ClinVar variation 972249 (VCV000972249.11), dbSNP rs898213877, ClinGen allele CA133956079.

ClinVar aggregate classification (germline): Uncertain significance. Review status: criteria provided, multiple submitters, no conflicts (2 of 4 stars). 2 submissions from 2 submitters: Uncertain significance (2). Last evaluated 2024-10-27.

Conditions:
Cardiovascular phenotype. Identifiers: MedGen CN230736.
Arrhythmogenic right ventricular dysplasia 8 (ARVD8). Also called: Arrhythmogenic Right Ventricular Dysplasia/Cardiomyopathy 8; ARRHYTHMOGENIC RIGHT VENTRICULAR DYSPLASIA, FAMILIAL, 8; ARRHYTHMOGENIC RIGHT VENTRICULAR CARDIOMYOPATHY 8. Identifiers: MedGen C1843896, MONDO:0011831, OMIM 607450.
Arrhythmogenic cardiomyopathy with wooly hair and keratoderma. Also called: Arrhythmogenic cardiomyopathy with woolly hair and keratoderma; Carvajal syndrome; Dilated cardiomyopathy with woolly hair and keratoderma; PALMOPLANTAR KERATODERMA WITH LEFT VENTRICULAR CARDIOMYOPATHY AND WOOLLY HAIR. Identifiers: Orphanet 65282, MedGen C1854063, MONDO:0011581, OMIM 605676.

Allele frequency attached by ClinVar (database versions not stated): TOPMed 0.00001.

Submissions (2):

Labcorp Genetics (formerly Invitae), Labcorp
Classification: Uncertain significance for Arrhythmogenic cardiomyopathy with wooly hair and keratoderma; Arrhythmogenic right ventricular dysplasia 8. Last evaluated: 2024-10-27. Review status: criteria provided, single submitter. Criteria: Invitae Variant Classification Sherloc (09022015). Collection method: clinical testing. Allele origin: germline.
Comment: This sequence change replaces isoleucine, which is neutral and non-polar, with methionine, which is neutral and non-polar, at codon 445 of the DSP protein (p.Ile445Met). This variant is not present in population databases (gnomAD no frequency). This variant has not been reported in the literature in individuals affected with DSP-related conditions. ClinVar contains an entry for this variant (Variation ID: 972249). An algorithm developed to predict the effect of missense changes on protein structure and function (PolyPhen-2) suggests that this variant is likely to be disruptive. In summary, the available evidence is currently insufficient to determine the role of this variant in disease. Therefore, it has been classified as a Variant of Uncertain Significance.

Ambry Genetics
Classification: Uncertain significance for Cardiovascular phenotype. Last evaluated: 2021-12-16. Review status: criteria provided, single submitter. Criteria: Ambry Variant Classification Scheme 2023. Collection method: clinical testing. Allele origin: germline.
Comment: The p.I445M variant (also known as c.1335T>G), located in coding exon 11 of the DSP gene, results from a T to G substitution at nucleotide position 1335. The isoleucine at codon 445 is replaced by methionine, an amino acid with highly similar properties. This amino acid position is conserved. In addition, the in silico prediction for this alteration is inconclusive. Since supporting evidence is limited at this time, the clinical significance of this alteration remains unclear.